The following is an entry in ClinVar:

NM_001160148.2(DDHD1):c.342C>T (p.Ser114=)

Gene: DDHD1 (DDHD domain containing 1; minus strand). Cytogenetic location: 14q22.1.
Variant type: single nucleotide variant.
Coding change: c.342C>T on transcript NM_001160148.2 (MANE Select); coding-DNA position 342, C replaced by T.
Protein change: p.Ser114=; no amino-acid change (serine 114 retained).
Molecular consequence: synonymous variant.
Genome position (GRCh38, 1-based): chr14:53,152,757, G>A on the plus strand (C>T on the coding strand, the complement: DDHD1 is on the minus strand). VCF-style: chr14-53152757-G-A. GRCh37 (hg19) VCF-style: chr14-53619475-G-A.
Other names: c.342C>T, p.Ser114= (NM_001160147.2, NM_030637.3).
Identifiers: ClinVar variation 3036848 (VCV003036848.2), dbSNP rs777615996, ClinGen allele CA7191518.

ClinVar aggregate classification (germline): Likely benign (0 of 4 stars; one submission).

Conditions:
DDHD1-related disorder. Also called: DDHD1-related condition.

Allele frequency attached by ClinVar (database versions not stated): TOPMed 0.00001; gnomAD 0.00002; gnomAD exomes 0.00002.
gnomAD v4.1: 34 of 1,529,676 alleles (0.0022%); highest among the groups gnomAD compares: African/African-American, 0.0031%; no homozygotes.

Submission:

PreventionGenetics, part of Exact Sciences
Classification: Likely benign for DDHD1-related condition. Last evaluated: 2023-01-12. Review status: no assertion criteria provided. Collection method: clinical testing. Allele origin: germline.
Comment: This variant is classified as likely benign based on ACMG/AMP sequence variant interpretation guidelines (Richards et al. 2015 PMID: 25741868, with internal and published modifications).